The following is an entry in ClinVar:

ClinVar aggregate classification (germline): Likely pathogenic. Review status: criteria provided, multiple submitters, no conflicts (2 of 4 stars). 3 submissions from 3 submitters: Likely pathogenic (3). Last evaluated 2026-04-03.

Conditions:
Platelet-type bleeding disorder 10. Also called: CD36 DEFICIENCY. Identifiers: MedGen C1842090, MONDO:0012031, OMIM 608404.
CD36-related disorder. Also called: CD36-related condition; CD36-related disorders.

Submissions (3):

GeneDx
Classification: Likely pathogenic. Last evaluated: 2026-04-03. Review status: criteria provided, single submitter. Criteria: GeneDx Variant Classification Process June 2021. Collection method: clinical testing. Allele origin: germline.
Comment: Frameshift variant predicted to result in abnormal protein length as the last 62 amino acid(s) are replaced with 14 different amino acid(s), and other similar variants have been reported in HGMD; Not observed at significant frequency in large population cohorts (gnomAD); Has not been previously published as pathogenic or benign to our knowledge

PreventionGenetics, part of Exact Sciences
Classification: Likely pathogenic for CD36-related condition. Last evaluated: 2025-05-17. Review status: criteria provided, single submitter. Criteria: ACMG Guidelines, 2015. Collection method: clinical testing. Allele origin: germline.
Comment: The CD36 c.1206_1230dup25 variant is predicted to result in a frameshift and premature protein termination (p.Val411Lysfs*15). To our knowledge, this variant has not been reported in the literature or in a large population database (gnomAD), indicating this variant is rare. Frameshift variants in CD36 are expected to be pathogenic. This variant is interpreted as likely pathogenic.

Genomic Medicine Center of Excellence, King Faisal Specialist Hospital and Research Centre
Classification: Likely pathogenic for Platelet-type bleeding disorder 10. Last evaluated: 2024-03-26. Review status: criteria provided, single submitter. Criteria: ACMG Guidelines, 2015. Collection method: clinical testing. Allele origin: germline.

NM_001001548.3(CD36):c.1206_1230dup (p.Val411fs)

Gene: CD36 (CD36 molecule (CD36 blood group); plus strand). Cytogenetic location: 7q21.11.
Variant type: Duplication.
Coding change: c.1206_1230dup on transcript NM_001001548.3 (MANE Select); coding-DNA positions 1206 to 1230, 25 bases duplicated (AAAGAATCTGAAGAGGAACTATATT).
Protein change: p.Val411fs; shifts the reading frame from valine 411.
Molecular consequence: frameshift variant. On other transcripts: non-coding transcript variant (1).
Genome position (GRCh38, 1-based): chr7:80,673,361-80,673,385, AAAGAATCTGAAGAGGAACTATATT duplicated; duplicating any 25 consecutive bases within chr7:80,673,357-80,673,385 gives the same sequence; the c. name uses the placement nearest the transcript's 3' end. VCF-style (leftmost placement, unchanged base first): chr7-80673356-G-GTATTAAAGAATCTGAAGAGGAACTA. GRCh37 (hg19) VCF-style: chr7-80302672-G-GTATTAAAGAATCTGAAGAGGAACTA.
Other names: c.1206_1230dup (NM_001001547.2); c.1206_1230dup25 (NM_001001547.2); c.1206_1230dup, p.Val411fs (NM_000072.3, NM_001001547.3, NM_001127443.2 and 5 more transcripts); c.1104_1128dup, p.Val377fs (NM_001371079.1); c.741_765dup, p.Val256fs (NM_001371080.1, NM_001371081.1); c.1089_1113dup, p.Val372fs (NM_001289908.1); c.1026_1050dup, p.Val351fs (NM_001289909.1); c.978_1002dup, p.Val335fs (NM_001289911.2); short protein forms V411fs, V256fs, V335fs, V351fs, V372fs, V377fs.
Identifiers: ClinVar variation 3065439 (VCV003065439.4), dbSNP rs1797913431, ClinGen allele CA1720373543.